The following is an entry in ClinVar:

NM_001374353.1(GLI2):c.515C>A (p.Thr172Asn)

Gene: GLI2 (GLI family zinc finger 2; plus strand). Cytogenetic location: 2q14.2.
Variant type: single nucleotide variant.
Coding change: c.515C>A on transcript NM_001374353.1 (MANE Select); coding-DNA position 515, C replaced by A.
Protein change: p.Thr172Asn; replaces threonine 172 with asparagine.
Molecular consequence: missense variant.
Genome position (GRCh38, 1-based): chr2:120,955,302, C>A. VCF-style: chr2-120955302-C-A. GRCh37 (hg19) VCF-style: chr2-121712878-C-A.
Other names: c.515C>A, p.Thr172Asn (NM_001371271.1, NM_005270.5); c.140C>A, p.Thr47Asn (NM_001374354.1); c.515C>A (NM_005270.4); short protein forms T172N, T47N.
Identifiers: ClinVar variation 1048857 (VCV001048857.7), dbSNP rs200720726, ClinGen allele CA1851559.

ClinVar aggregate classification (germline): Conflicting classifications of pathogenicity. Review status: criteria provided, conflicting classifications (1 of 4 stars). 3 submissions from 3 submitters: Uncertain significance (1); Likely benign (1). 1 of the submissions does not count toward it. Last evaluated 2025-11-25.

Conditions:
Holoprosencephaly 9 (HPE9). Also called: HOLOPROSENCEPHALY WITH MICROPHTHALMIA AND FIRST BRANCHIAL ARCH ANOMALIES; PITUITARY ANOMALIES WITH HOLOPROSENCEPHALY-LIKE FEATURES. Identifiers: Orphanet 2162, MedGen C1835819, MONDO:0012563, OMIM 610829.
Postaxial polydactyly-anterior pituitary anomalies-facial dysmorphism syndrome. Also called: Culler-Jones syndrome. Identifiers: Orphanet 420584, MedGen C4014479, MONDO:0014369, OMIM 615849.
Inborn genetic diseases. Identifiers: MedGen C0950123, MeSH D030342.

Allele frequency attached by ClinVar (database versions not stated): ExAC 0.00003; gnomAD exomes 0.00006 and 0.00003; gnomAD 0.00002; TOPMed 0.00001.
gnomAD v4.1: 89 of 1,611,772 alleles (0.0055%); highest among the groups gnomAD compares: Non-Finnish European, 0.0073%; no homozygotes.

Submissions (3):

Labcorp Genetics (formerly Invitae), Labcorp
Classification: Uncertain significance for Postaxial polydactyly-anterior pituitary anomalies-facial dysmorphism syndrome; Holoprosencephaly 9. Last evaluated: 2025-11-25. Review status: criteria provided, single submitter. Criteria: Invitae Variant Classification Sherloc (09022015). Collection method: clinical testing. Allele origin: germline.
Comment: This sequence change replaces threonine, which is neutral and polar, with asparagine, which is neutral and polar, at codon 172 of the GLI2 protein (p.Thr172Asn). This variant is present in population databases (rs200720726, gnomAD 0.008%). This variant has not been reported in the literature in individuals affected with GLI2-related conditions. ClinVar contains an entry for this variant (Variation ID: 1048857). Invitae Evidence Modeling of protein sequence and biophysical properties (such as structural, functional, and spatial information, amino acid conservation, physicochemical variation, residue mobility, and thermodynamic stability) indicates that this missense variant is not expected to disrupt GLI2 protein function with a negative predictive value of 80%. In summary, the available evidence is currently insufficient to determine the role of this variant in disease. Therefore, it has been classified as a Variant of Uncertain Significance.

Ambry Genetics
Classification: Likely benign for Inborn genetic diseases. Last evaluated: 2023-12-16. Review status: criteria provided, single submitter. Criteria: Ambry Variant Classification Scheme 2023. Collection method: clinical testing. Allele origin: germline.

Department of Pathology and Laboratory Medicine, Sinai Health System
Classification: Uncertain significance. Review status: no assertion criteria provided. Collection method: clinical testing. Allele origin: unknown. Affected: yes. Study: The Canadian Open Genetics Repository (COGR). Not counted in ClinVar's aggregate classification.
Comment: The GLI2 p.Thr172Asn variant was not identified in the literature nor was it identified in ClinVar, Cosmic or LOVD 3.0. The variant was identified in dbSNP (ID: rs200720726) and in control databases in 8 of 282460 chromosomes at a frequency of 0.000028 (Genome Aggregation Database Feb 27, 2017). The variant was observed in the following populations: African in 2 of 24882 chromosomes (freq: 0.00008) and European (non-Finnish) in 6 of 128914 chromosomes (freq: 0.000047), while the variant was not observed in the Latino, Ashkenazi Jewish, East Asian, European (Finnish), Other and South Asian populations. The variant occurs outside of the splicing consensus sequence and in silico or computational prediction software programs (SpliceSiteFinder, MaxEntScan, NNSPLICE, GeneSplicer) do not predict a difference in splicing at the variant location. The p.Thr172 residue is not conserved in mammals and computational analyses (PolyPhen-2, SIFT, AlignGVGD, BLOSUM, MutationTaster) do not suggest a high likelihood of impact to the protein; however, this information is not predictive enough to rule out pathogenicity. In summary, based on the above information the clinical significance of this variant cannot be determined with certainty at this time. This variant is classified as a variant of uncertain significance.